The following is an entry in ClinVar:

ClinVar aggregate classification (germline): Uncertain significance (1 of 4 stars; one submission).

Conditions:
Hereditary pancreatitis (PCTT). Also called: Hereditary chronic pancreatitis; PRSS1-Related Hereditary Pancreatitis. Identifiers: Orphanet 676, MedGen C0238339, MONDO:0008185, OMIM 167800.

Allele frequency attached by ClinVar (database versions not stated): ExAC 0.00001.
gnomAD v4.1: 1 of 1,614,226 alleles (0.000062%); highest among the groups gnomAD compares: Non-Finnish European, 0.000085%; no homozygotes.

Submission:

Ambry Genetics
Classification: Uncertain significance for Hereditary pancreatitis. Last evaluated: 2024-01-12. Review status: criteria provided, single submitter. Criteria: Ambry Variant Classification Scheme 2023. Collection method: clinical testing. Allele origin: germline.
Comment: The p.P154A variant (also known as c.460C>G), located in coding exon 5 of the CTRC gene, results from a C to G substitution at nucleotide position 460. The proline at codon 154 is replaced by alanine, an amino acid with highly similar properties. This amino acid position is conserved. In addition, this alteration is predicted to be tolerated by in silico analysis. Since supporting evidence is limited at this time, the clinical significance of this alteration remains unclear.

NM_007272.3(CTRC):c.460C>G (p.Pro154Ala)

Gene: CTRC (chymotrypsin C; plus strand). Cytogenetic location: 1p36.21.
Variant type: single nucleotide variant.
Coding change: c.460C>G on transcript NM_007272.3 (MANE Select); coding-DNA position 460, C replaced by G.
Protein change: p.Pro154Ala; replaces proline 154 with alanine.
Molecular consequence: missense variant.
Genome position (GRCh38, 1-based): chr1:15,443,522, C>G. VCF-style: chr1-15443522-C-G. GRCh37 (hg19) VCF-style: chr1-15770017-C-G.
Other names: short protein forms P154A.
Identifiers: ClinVar variation 1741870 (VCV001741870.2), dbSNP rs770799055, ClinGen allele CA613340.
Genomic context (GRCh38, chr1:15,443,522, plus strand): 5'-AGTGACACCATCCAGGTGGCCTGCCTGCCAGAGAAGGACTCCCTGCTCCCCAAGGACTAC[C>G]CCTGCTATGTCACCGGCTGGGGCCGCCTCTGGAGTGAGTATCGTCCCTGGCAAATCCTGA-3'
Protein context (NP_009203.2, residues 144-164): EKDSLLPKDY[Pro154Ala]CYVTGWGRLW